The following is an entry in ClinVar:

NM_001042472.3(ABHD12):c.167C>T (p.Ala56Val)

Gene: ABHD12 (abhydrolase domain containing 12, lysophospholipase; minus strand). Cytogenetic location: 20p11.21.
Variant type: single nucleotide variant.
Coding change: c.167C>T on transcript NM_001042472.3 (MANE Select); coding-DNA position 167, C replaced by T.
Protein change: p.Ala56Val; replaces alanine 56 with valine.
Molecular consequence: missense variant.
Genome position (GRCh38, 1-based): chr20:25,390,537, G>A on the plus strand (C>T on the coding strand, the complement: ABHD12 is on the minus strand). VCF-style: chr20-25390537-G-A. GRCh37 (hg19) VCF-style: chr20-25371173-G-A.
Other names: c.167C>T, p.Ala56Val (NM_015600.5); short protein forms A56V.
Identifiers: ClinVar variation 897560 (VCV000897560.8), dbSNP rs760720412, ClinGen allele CA9796310.
Genomic context (GRCh38, chr20:25,390,537, plus strand): 5'-GCCCCCCCCCCCCCCCCGCTCCGCGCGAAGCCTCACCTGCCCAGCGCCCGCTTCATTCCC[G>A]CGTCGGCTGCGCAGCGCGGCTCAGCCGCCGCCGGGCCCGTCAGGCGTAGGTTCTGCTTCA-3'
Protein context (NP_001035937.1, residues 46-66): AAAEPRCAAD[Ala56Val]GMKRALGRRK

ClinVar aggregate classification (germline): Uncertain significance. Review status: criteria provided, multiple submitters, no conflicts (2 of 4 stars). 3 submissions from 3 submitters: Uncertain significance (3). Last evaluated 2026-06-08.

Conditions:
ABHD12-related disorder. Also called: ABHD12-related condition.
PHARC syndrome. Also called: Polyneuropathy-hearing loss-ataxia-retinitis pigmentosa-cataract syndrome. Identifiers: Orphanet 171848, MedGen C2675204, MONDO:0012984, OMIM 612674.

Allele frequency attached by ClinVar (database versions not stated): gnomAD 0.00001 and 0.00003; TOPMed 0.00002; gnomAD exomes 0.00005 and 0.00011; ExAC 0.00009; 1000 Genomes Project 30x 0.00016.
gnomAD v4.1: 139 of 1,419,002 alleles (0.0098%); highest among the groups gnomAD compares: East Asian, 0.61%; 1 homozygote.

Submissions (3):

PreventionGenetics, part of Exact Sciences
Classification: Uncertain significance for ABHD12-related condition. Last evaluated: 2026-06-08. Review status: criteria provided, single submitter. Criteria: ACMG Guidelines, 2015. Collection method: clinical testing. Allele origin: germline.
Comment: The ABHD12 c.167C>T variant is predicted to result in the amino acid substitution p.Ala56Val. To our knowledge, this variant has not been reported in the literature. This variant is reported in 0.13% of alleles in individuals of East Asian descent in gnomAD, which may be too frequent to be a primary cause of disease. Although we suspect that this variant may be benign, at this time, the clinical significance of this variant is uncertain due to the absence of conclusive functional and genetic evidence.

Labcorp Genetics (formerly Invitae), Labcorp
Classification: Uncertain significance. Last evaluated: 2023-11-13. Review status: criteria provided, single submitter. Criteria: Invitae Variant Classification Sherloc (09022015). Collection method: clinical testing. Allele origin: germline.
Comment: This sequence change replaces alanine, which is neutral and non-polar, with valine, which is neutral and non-polar, at codon 56 of the ABHD12 protein (p.Ala56Val). This variant is present in population databases (rs760720412, gnomAD 0.1%). This variant has not been reported in the literature in individuals affected with ABHD12-related conditions. ClinVar contains an entry for this variant (Variation ID: 897560). An algorithm developed to predict the effect of missense changes on protein structure and function (PolyPhen-2) suggests that this variant¬†is likely to be tolerated. In summary, the available evidence is currently insufficient to determine the role of this variant in disease. Therefore, it has been classified as a Variant of Uncertain Significance.

Illumina Laboratory Services, Illumina
Classification: Uncertain significance for PHARC syndrome. Last evaluated: 2018-01-13. Review status: criteria provided, single submitter. Criteria: ICSL Variant Classification Criteria 13 December 2019. Collection method: clinical testing. Allele origin: germline.